The following is an entry in ClinVar:

ClinVar aggregate classification (germline): Likely benign. Review status: criteria provided, multiple submitters, no conflicts (2 of 4 stars). 3 submissions from 3 submitters: Likely benign (3). Last evaluated 2025-07-14.

Allele frequency attached by ClinVar (database versions not stated): ESP Exome Variant Server 0.00008; gnomAD exomes 0.00010; TOPMed 0.00013; 1000 Genomes Project 30x 0.00016; gnomAD 0.00016; 1000 Genomes Project 0.00020; ExAC 0.00024.
gnomAD v4.1: 181 of 1,612,214 alleles (0.011%); highest among the groups gnomAD compares: Middle Eastern, 0.033%; no homozygotes.

Submissions (3):

Labcorp Genetics (formerly Invitae), Labcorp
Classification: Likely benign. Last evaluated: 2025-07-14. Review status: criteria provided, single submitter. Criteria: Invitae Variant Classification Sherloc (09022015). Collection method: clinical testing. Allele origin: germline.

Blueprint Genetics
Classification: Likely benign. Last evaluated: 2024-06-14. Review status: criteria provided, single submitter. Criteria: ACMG Guidelines, 2015. Collection method: clinical testing. Allele origin: germline.

CeGaT Center for Human Genetics Tuebingen
Classification: Likely benign. Last evaluated: 2022-03-01. Review status: criteria provided, single submitter. Criteria: CeGaT Center For Human Genetics Tuebingen Variant Classification Criteria Version 2. Collection method: clinical testing. Allele origin: germline. Affected: yes. Observed: 1 variant allele.
Comment: CACNA1G: BP4, BP7

NM_018896.5(CACNA1G):c.5652G>A (p.Ser1884=)

Gene: CACNA1G (calcium voltage-gated channel subunit alpha1 G; plus strand). Cytogenetic location: 17q21.33.
Variant type: single nucleotide variant.
Coding change: c.5652G>A on transcript NM_018896.5 (MANE Select); coding-DNA position 5652, G replaced by A.
Protein change: p.Ser1884=; no amino-acid change (serine 1884 retained).
Molecular consequence: synonymous variant. On other transcripts: non-coding transcript variant (5).
Genome position (GRCh38, 1-based): chr17:50,618,879, G>A. VCF-style: chr17-50618879-G-A. GRCh37 (hg19) VCF-style: chr17-48696240-G-A.
Other names: c.5598G>A, p.Ser1866= (NM_001256324.2, NM_198386.3); c.5673G>A, p.Ser1891= (NM_001256325.2); c.5517G>A, p.Ser1839= (NM_001256326.2, NM_001256330.2); c.5631G>A, p.Ser1877= (NM_001256327.2); c.5577G>A, p.Ser1859= (NM_001256328.2); c.5550G>A, p.Ser1850= (NM_001256329.2, NM_198376.3, NM_198379.3 and 2 more transcripts); c.5496G>A, p.Ser1832= (NM_001256331.2); c.5481G>A, p.Ser1827= (NM_001256332.2); and 7 more.
Identifiers: ClinVar variation 1909616 (VCV001909616.30), dbSNP rs374725822, ClinGen allele CA8653436.
Genomic context (GRCh38, chr17:50,618,879, plus strand): 5'-GGCCGAGCTAGAGGCTGAGCTGGAGCTGGAGATGAAGACCCTCAGCCCCCAGCCCCACTC[G>A]CCACTGGGCAGCCCCTTCCTCTGGCCTGGGGTCGAGGGCCCCGACAGCCCCGACAGCCCC-3'
Protein context (NP_061496.2, residues 1874-1894): EMKTLSPQPH[Ser1884=]PLGSPFLWPG